The following is an entry in ClinVar:

NM_000744.7(CHRNA4):c.16C>A (p.Pro6Thr)

Genes: CHRNA4 (cholinergic receptor nicotinic alpha 4 subunit; minus strand), LOC100130587 (uncharacterized LOC100130587; plus strand). Cytogenetic location: 20q13.33.
Variant type: single nucleotide variant.
Coding change: c.16C>A on transcript NM_000744.7 (MANE Select); coding-DNA position 16, C replaced by A.
Protein change: p.Pro6Thr; replaces proline 6 with threonine.
Molecular consequence: missense variant. On other transcripts: non-coding transcript variant (1), intron variant (1).
Genome position (GRCh38, 1-based): chr20:63,361,150, G>T on the plus strand (C>A on the coding strand, the complement: CHRNA4 is on the minus strand). VCF-style: chr20-63361150-G-T. GRCh37 (hg19) VCF-style: chr20-61992502-G-T.
Other names: c.-471+27C>A (NM_001256573.2); short protein forms P6T.
Identifiers: ClinVar variation 507342 (VCV000507342.9), dbSNP rs796052312, ClinGen allele CA409645010.

ClinVar aggregate classification (germline): Conflicting classifications of pathogenicity. Review status: criteria provided, conflicting classifications (1 of 4 stars). 2 submissions from 2 submitters: Uncertain significance (1); Likely benign (1). Last evaluated 2025-10-24.

Conditions:
Familial sleep-related hypermotor epilepsy. Also called: Autosomal Dominant Sleep-Related Hypermotor (Hyperkinetic) Epilepsy. Identifiers: Orphanet 98784, MedGen C3696898, MONDO:0000030.

gnomAD v4.1: 6 of 1,480,510 alleles (0.00041%); highest among the groups gnomAD compares: African/African-American, 0.0059%; no homozygotes.

Submissions (2):

Labcorp Genetics (formerly Invitae), Labcorp
Classification: Uncertain significance. Last evaluated: 2025-10-24. Review status: criteria provided, single submitter. Criteria: Invitae Variant Classification Sherloc (09022015). Collection method: clinical testing. Allele origin: germline.
Comment: This sequence change replaces proline, which is neutral and non-polar, with threonine, which is neutral and polar, at codon 6 of the CHRNA4 protein (p.Pro6Thr). This variant is present in population databases (no rsID available, gnomAD 0.01%). This variant has not been reported in the literature in individuals affected with CHRNA4-related conditions. This missense change has been observed in at least one individual who was not affected with CHRNA4-related conditions (internal data). ClinVar contains an entry for this variant (Variation ID: 507342). Experimental studies and prediction algorithms are not available or were not evaluated, and the functional significance of this variant is currently unknown. In summary, the available evidence is currently insufficient to determine the role of this variant in disease. Therefore, it has been classified as a Variant of Uncertain Significance.

GeneDx
Classification: Likely benign. Last evaluated: 2017-10-17. Review status: criteria provided, single submitter. Criteria: GeneDx Variant Classification (06012015). Collection method: clinical testing. Allele origin: germline. Affected: yes.
Comment: This variant is considered likely benign or benign based on one or more of the following criteria: it is a conservative change, it occurs at a poorly conserved position in the protein, it is predicted to be benign by multiple in silico algorithms, and/or has population frequency not consistent with disease.